The following is an entry in ClinVar:

ClinVar aggregate classification (germline): Likely pathogenic. Review status: criteria provided, single submitter (1 of 4 stars). 2 submissions from 2 submitters: Likely pathogenic (1). 1 of the submissions does not count toward it. Last evaluated 2024-12-18.

Conditions:
Neuronal ceroid lipofuscinosis 8 (CLN8). Also called: CLN8-Related Neuronal Ceroid-Lipofuscinosis. Identifiers: Orphanet 168491, Orphanet 228354, Orphanet 79264, MedGen C1838570, MONDO:0010830, OMIM 600143.

Submissions (2):

Natera, Inc.
Classification: Likely pathogenic for Neuronal ceroid lipofuscinosis 8. Last evaluated: 2024-12-18. Review status: criteria provided, single submitter. Criteria: Natera Variant Classification Schema (03/2026). Collection method: clinical testing. Allele origin: germline.
Comment: The c.637_639del variant in CLN8 is an in-frame deletion predicted to remove tryptophan at amino acid 213 while preserving the reading frame. This variant is rare in the general population with a frequency below the threshold expected for the associated phenotype(s). This variant has been observed in one or more individuals affected with the associated recessive disease, as either homozygous or compound heterozygous with a second variant (PMID: 30397314). Functional studies show that this variant may disrupt protein function (PMID: 30397314). This variant results in a change to the protein length while preserving reading frame, which may disrupt normal protein structure or function. Computational prediction algorithms indicate this variant is likely to affect gene or protein function. Given the available evidence, this variant is classified as Likely Pathogenic.

Juha Muilu Group; Institute for Molecular Medicine Finland (FIMM)
Classification: Likely pathogenic for Ceroid lipofuscinosis neuronal 8. Review status: no assertion criteria provided. Collection method: not provided. Allele origin: unknown. Not counted in ClinVar's aggregate classification.
Comment: FinDis database variant: This variant was not found or characterized by our laboratory, data were collected from public sources: see reference
ClinVar note: Converted during submission from probable-pathogenic to Likely pathogenic.

Literature cited by the submitters: PubMed 30397314 (cited by Natera, Inc.).

NM_018941.4(CLN8):c.634TGG[1] (p.Trp213del)

Gene: CLN8 (CLN8 transmembrane ER and ERGIC protein; plus strand). Cytogenetic location: 8p23.3.
Variant type: Microsatellite.
Coding change: c.634TGG[1] on transcript NM_018941.4 (MANE Select); one copy of the 3-base unit TGG starting at c.634; the reference has two copies in a row; one copy, 3 bases deleted; also written c.637_639del.
Protein change: p.Trp213del; deletes tryptophan 213.
Molecular consequence: inframe deletion.
Genome position (GRCh38, 1-based): chr8:1,780,343-1,780,345, TGG deleted; deleting any 3 consecutive bases within chr8:1,780,339-1,780,345 gives the same sequence; the position shown is the placement nearest the transcript's 3' end. VCF-style (leftmost placement, unchanged base first): chr8-1780338-TGTG-T. GRCh37 (hg19) VCF-style: chr8-1728504-TGTG-T.
Other names: c.637_639delTGG (NM_018941.3); c.637_639del (NM_018941.3); short protein forms W213del.
Identifiers: ClinVar variation 56716 (VCV000056716.3), dbSNP rs386834135, ClinGen allele CA264185.
Genomic context (GRCh38, chr8:1,780,338, plus strand): 5'-AGCTCAACCAGTGGCTGATGATTCACATGTTTCACTGCCGCATGGTTCTAACCTACCACA[TGTG>T]GTGGGTGTGTTTCTGGCACTGGGACGGCCTGGTCAGCAGCCTGTATCTGCCTCATTTGAC-3'